The following is an entry in ClinVar:

NM_002890.3(RASA1):c.2207A>G (p.His736Arg)

Genes: CCNH (cyclin H; minus strand), RASA1 (RAS p21 protein activator 1; plus strand). Cytogenetic location: 5q14.3.
Variant type: single nucleotide variant.
Coding change: c.2207A>G on transcript NM_002890.3 (MANE Select); coding-DNA position 2207, A replaced by G.
Protein change: p.His736Arg; replaces histidine 736 with arginine.
Molecular consequence: missense variant. On other transcripts: intron variant (1).
Genome position (GRCh38, 1-based): chr5:87,376,903, A>G. VCF-style: chr5-87376903-A-G. GRCh37 (hg19) VCF-style: chr5-86672720-A-G.
Other names: c.1676A>G, p.His559Arg (NM_022650.3); c.933+18141T>C (NM_001364075.2); short protein forms H736R, H559R.
Identifiers: ClinVar variation 4150714 (VCV004150714.1).

ClinVar aggregate classification (germline): Uncertain significance (1 of 4 stars; one submission).

Conditions:
Cardiovascular phenotype. Identifiers: MedGen CN230736.

gnomAD v4.1: 1 of 1,608,788 alleles (0.000062%); highest among the groups gnomAD compares: African/African-American, 0.0013%; no homozygotes.

Submission:

Ambry Genetics
Classification: Uncertain significance for Cardiovascular phenotype. Last evaluated: 2025-07-03. Review status: criteria provided, single submitter. Criteria: Ambry Variant Classification Scheme 2023. Collection method: clinical testing. Allele origin: germline.
Comment: The p.H736R variant (also known as c.2207A>G), located in coding exon 17 of the RASA1 gene, results from an A to G substitution at nucleotide position 2207. The histidine at codon 736 is replaced by arginine, an amino acid with highly similar properties. This variant was reported in individual(s) with features consistent with arteriovenous malformation (Wang K et al. J Med Genet, 2018 Oct;55:675-684). This amino acid position is highly conserved in available vertebrate species. In addition, the in silico prediction for this alteration is inconclusive. Based on the available evidence, the clinical significance of this variant remains unclear.

Literature cited by the submitters: PubMed 30120215.